The following is an entry in ClinVar:

ClinVar aggregate classification (germline): Uncertain significance. Review status: criteria provided, multiple submitters, no conflicts (2 of 4 stars). 2 submissions from 2 submitters: Uncertain significance (2). Last evaluated 2023-11-24.

Conditions:
Inborn genetic diseases. Identifiers: MedGen C0950123, MeSH D030342.

Allele frequency attached by ClinVar (database versions not stated): gnomAD exomes 0.00009; gnomAD 0.00011; TOPMed 0.00011; ExAC 0.00048.
gnomAD v4.1: 136 of 1,539,064 alleles (0.0088%); highest among the groups gnomAD compares: Non-Finnish European, 0.011%; no homozygotes.

Submissions (2):

Labcorp Genetics (formerly Invitae), Labcorp
Classification: Uncertain significance. Last evaluated: 2023-11-24. Review status: criteria provided, single submitter. Criteria: Invitae Variant Classification Sherloc (09022015). Collection method: clinical testing. Allele origin: germline.
Comment: This sequence change replaces cysteine, which is neutral and slightly polar, with arginine, which is basic and polar, at codon 5 of the POC1A protein (p.Cys5Arg). This variant is present in population databases (rs778708350, gnomAD 0.03%). This variant has not been reported in the literature in individuals affected with POC1A-related conditions. ClinVar contains an entry for this variant (Variation ID: 1989731). An algorithm developed to predict the effect of missense changes on protein structure and function (PolyPhen-2) suggests that this variant is likely to be tolerated. In summary, the available evidence is currently insufficient to determine the role of this variant in disease. Therefore, it has been classified as a Variant of Uncertain Significance.

Ambry Genetics
Classification: Uncertain significance for Inborn genetic diseases. Last evaluated: 2023-07-30. Review status: criteria provided, single submitter. Criteria: Ambry Variant Classification Scheme 2023. Collection method: clinical testing. Allele origin: germline.

NM_015426.5(POC1A):c.13T>C (p.Cys5Arg)

Gene: POC1A (POC1 centriolar protein A; minus strand). Cytogenetic location: 3p21.2.
Variant type: single nucleotide variant.
Coding change: c.13T>C on transcript NM_015426.5 (MANE Select); coding-DNA position 13, T replaced by C.
Protein change: p.Cys5Arg; replaces cysteine 5 with arginine.
Molecular consequence: missense variant. On other transcripts: 5 prime UTR variant (1).
Genome position (GRCh38, 1-based): chr3:52,154,360, A>G on the plus strand (T>C on the coding strand, the complement: POC1A is on the minus strand). VCF-style: chr3-52154360-A-G. GRCh37 (hg19) VCF-style: chr3-52188376-A-G.
Other names: c.13T>C, p.Cys5Arg (NM_001161580.2); c.-173T>C (NM_001161581.2); c.13T>C (NM_015426.4); short protein forms C5R.
Identifiers: ClinVar variation 1989731 (VCV001989731.6), dbSNP rs778708350, ClinGen allele CA2429768.